The following is an entry in ClinVar:

ClinVar aggregate classification (germline): Pathogenic/Likely pathogenic. Review status: criteria provided, multiple submitters, no conflicts (2 of 4 stars). 2 submissions from 2 submitters: Pathogenic (1); Likely pathogenic (1). Last evaluated 2025-06-10.

Conditions:
Hereditary hemorrhagic telangiectasia (HHT). Also called: ORW DISEASE; Osler Weber Rendu syndrome; OSLER-RENDU-WEBER DISEASE; Osler hemorrhagic telangiectasia syndrome. Identifiers: Orphanet 774, MedGen C0039445, MONDO:0019180. Disease mechanism: loss of function.

Submissions (2):

Labcorp Genetics (formerly Invitae), Labcorp
Classification: Pathogenic for Hereditary hemorrhagic telangiectasia. Last evaluated: 2025-06-10. Review status: criteria provided, single submitter. Criteria: Invitae Variant Classification Sherloc (09022015). Collection method: clinical testing. Allele origin: germline.
Comment: This sequence change creates a premature translational stop signal (p.Phe450Serfs*40) in the ENG gene. It is expected to result in an absent or disrupted protein product. Loss-of-function variants in ENG are known to be pathogenic (PMID: 15879500). This variant is not present in population databases (gnomAD no frequency). This premature translational stop signal has been observed in individual(s) with hereditary hemorrhagic telangiectasia (PMID: 15266205, 22991266). ClinVar contains an entry for this variant (Variation ID: 1452387). For these reasons, this variant has been classified as Pathogenic.

GeneDx
Classification: Likely pathogenic. Last evaluated: 2024-06-04. Review status: criteria provided, single submitter. Criteria: GeneDx Variant Classification Process June 2021. Collection method: clinical testing. Allele origin: germline. Affected: yes.
Comment: Identified in unrelated individuals with HHT in the published literature, however specific clinical information or familial segregation was not provided (PMID: 22991266); Frameshift variant predicted to result in protein truncation or nonsense mediated decay in a gene for which loss of function is a known mechanism of disease; Not observed at significant frequency in large population cohorts (gnomAD); This variant is associated with the following publications: (PMID: 12673790, 15266205, 22991266)

Literature cited by the submitters: PubMed 15879500 (cited by Labcorp Genetics (formerly Invitae), Labcorp); PubMed 15266205 (cited by Labcorp Genetics (formerly Invitae), Labcorp); PubMed 22991266 (cited by Labcorp Genetics (formerly Invitae), Labcorp).

NM_001114753.3(ENG):c.1347_1350del (p.Phe450fs)

Genes: ENG (endoglin; minus strand), LOC102723566 (uncharacterized LOC102723566; plus strand). Cytogenetic location: 9q34.11.
Variant type: Deletion.
Coding change: c.1347_1350del on transcript NM_001114753.3 (MANE Select); coding-DNA positions 1347 to 1350, 4 bases deleted (TTTC; older notation c.1347_1350delTTTC).
Protein change: p.Phe450fs; shifts the reading frame from phenylalanine 450.
Molecular consequence: frameshift variant.
Genome position (GRCh38, 1-based): chr9:127,818,794-127,818,797, GAAA deleted on the plus strand (TTTC on the coding strand, the reverse complement: ENG is on the minus strand); deleting any 4 consecutive bases within chr9:127,818,794-127,818,799 gives the same sequence; the c. name uses the placement nearest the transcript's 3' end. VCF-style (leftmost placement, unchanged base first): chr9-127818793-GGAAA-G. GRCh37 (hg19) VCF-style: chr9-130581072-GGAAA-G.
Other names: c.1347_1350del (NM_000118.2); c.1345_1348delTCTT, p.Phe450Serfs (NM_000118.4); c.801_804del, p.Phe268fs (NM_001278138.2); short protein forms F268fs, F450fs.
Identifiers: ClinVar variation 1452387 (VCV001452387.9), dbSNP rs2131877041, ClinGen allele CA2573143978.